The following is an entry in ClinVar:

NM_001972.4(ELANE):c.669C>A (p.Cys223Ter)

Gene: ELANE (elastase, neutrophil expressed; plus strand). Cytogenetic location: 19p13.3.
Variant type: single nucleotide variant.
Coding change: c.669C>A on transcript NM_001972.4 (MANE Select); coding-DNA position 669, C replaced by A.
Protein change: p.Cys223Ter; replaces cysteine 223 with a stop codon.
Molecular consequence: nonsense.
Genome position (GRCh38, 1-based): chr19:856,029, C>A. VCF-style: chr19-856029-C-A. GRCh37 (hg19) VCF-style: chr19-856029-C-A.
Other names: c.669C>A (NM_001972.2); short protein forms C223*.
Identifiers: ClinVar variation 803509 (VCV000803509.9), dbSNP rs1599294750, ClinGen allele CA402919092.

ClinVar aggregate classification (germline): Pathogenic. Review status: criteria provided, multiple submitters, no conflicts (2 of 4 stars). 4 submissions from 4 submitters: Pathogenic (4). Last evaluated 2025-04-18.

Conditions:
Cyclical neutropenia. Also called: Cyclic Neutropenia; Cyclic hematopoiesis. Identifiers: Orphanet 2686, MedGen C0221023, MONDO:0008090, OMIM 162800, HP:0040289. Disease mechanism: loss of function.
Neutropenia, severe congenital, 1, autosomal dominant. Identifiers: MedGen C1859966, MONDO:0042490, OMIM 202700.
ELANE-related disorders.

Submissions (4):

Labcorp Genetics (formerly Invitae), Labcorp
Classification: Pathogenic for Neutropenia, severe congenital, 1, autosomal dominant; Cyclical neutropenia. Last evaluated: 2025-04-18. Review status: criteria provided, single submitter. Criteria: Invitae Variant Classification Sherloc (09022015). Collection method: clinical testing. Allele origin: germline.
Comment: This sequence change creates a premature translational stop signal (p.Cys223*) in the ELANE gene. While this is not anticipated to result in nonsense mediated decay, it is expected to disrupt the last 45 amino acid(s) of the ELANE protein. This variant is not present in population databases (gnomAD no frequency). This premature translational stop signal has been observed in individuals with ELANE-related neutropenia (PMID: 14962902, 18611981, 31176364). ClinVar contains an entry for this variant (Variation ID: 803509). Algorithms developed to predict the effect of variants on gene product structure and function are not available or were not evaluated for this variant. Experimental studies have shown that this premature translational stop signal affects ELANE function (PMID: 23382209, 31176364). For these reasons, this variant has been classified as Pathogenic.

Victorian Clinical Genetics Services, Murdoch Childrens Research Institute
Classification: Pathogenic for Neutropenia, severe congenital, 1, autosomal dominant. Last evaluated: 2024-10-11. Review status: criteria provided, single submitter. Criteria: ACMG Guidelines, 2015. Collection method: clinical testing. Allele origin: germline. Inheritance: Autosomal dominant inheritance. Affected: yes.
Comment: Based on the classification scheme VCGS_Germline_v1.3.5, this variant is classified as Pathogenic. Following criteria are met: 0105 - The mechanism of disease for this gene is not clearly established. However, haploinsufficiency is unlikely a mechanism of disease (PMID: 33968054, 3124897). (I) 0107 - This gene is associated with autosomal dominant disease. (I) 0115 - Variants in this gene are known to have variable expressivity. The same variant can lead to either cyclic or severe congenital neutropenia (PMID: 20301705). (I) 0205 - Variant is predicted to result in a truncated protein (premature termination codon is NOT located at least 54 nucleotides upstream of the final exon-exon junction) with less than 1/3 of the protein sequence affected. (SP) 0301 - Variant is absent from gnomAD (v2, v3 and v4). (SP) 0600 - Variant truncates the annotated trypsin domain (DECIPHER). (I) 0801 - This variant has strong previous evidence of pathogenicity in unrelated individuals. This variant has been classified as pathogenic by clinical laboratories in ClinVar. This variant has also been observed in individuals with severe congenital neutropenia (PMID: 23206890, 18611981, 33471934, 35525891, 14962902, 19775295, 16079102). (SP) Legend: (SP) - Supporting pathogenic, (I) - Information, (SB) - Supporting benign

Blueprint Genetics
Classification: Pathogenic for ELANE-related disorders. Last evaluated: 2019-11-06. Review status: criteria provided, single submitter. Criteria: ACMG Guidelines, 2015. Collection method: clinical testing. Allele origin: germline. Affected: yes. Observed: 1 variant allele.

Mendelics
Classification: Pathogenic for Cyclical neutropenia. Last evaluated: 2019-05-28. Review status: criteria provided, single submitter. Criteria: Mendelics Assertion Criteria 2017. Collection method: clinical testing. Allele origin: unknown.

Literature cited by the submitters: PubMed 14962902 (cited by Labcorp Genetics (formerly Invitae), Labcorp and Victorian Clinical Genetics Services, Murdoch Childrens Research Institute); PubMed 18611981 (cited by Labcorp Genetics (formerly Invitae), Labcorp and Victorian Clinical Genetics Services, Murdoch Childrens Research Institute); PubMed 31176364 (cited by Labcorp Genetics (formerly Invitae), Labcorp); PubMed 23382209 (cited by Labcorp Genetics (formerly Invitae), Labcorp); PubMed 16079102 (cited by Victorian Clinical Genetics Services, Murdoch Childrens Research Institute); PubMed 19775295 (cited by Victorian Clinical Genetics Services, Murdoch Childrens Research Institute); PubMed 20301705 (cited by Victorian Clinical Genetics Services, Murdoch Childrens Research Institute); PubMed 23206890 (cited by Victorian Clinical Genetics Services, Murdoch Childrens Research Institute); PubMed 31248972 (cited by Victorian Clinical Genetics Services, Murdoch Childrens Research Institute); PubMed 33471934 (cited by Victorian Clinical Genetics Services, Murdoch Childrens Research Institute); PubMed 33968054 (cited by Victorian Clinical Genetics Services, Murdoch Childrens Research Institute); PubMed 35525891 (cited by Victorian Clinical Genetics Services, Murdoch Childrens Research Institute); PubMed 3124897 (cited by Victorian Clinical Genetics Services, Murdoch Childrens Research Institute).